The following is an entry in ClinVar:

ClinVar aggregate classification (germline): Uncertain significance. Review status: criteria provided, single submitter (1 of 4 stars). 2 submissions from 1 submitter: Uncertain significance (2). Last evaluated 2017-01-01.

Conditions:
Ichthyosis. Also called: Ichthyosis (disease). Identifiers: Orphanet 79354, MedGen C0020757, MONDO:0019269, HP:0008064.
Palmoplantar hyperhidrosis. Also called: HYPERHIDROSIS, PRIMARY PALMAR; HYPRPP; HYPERHIDROSIS PALMARIS ET PLANTARIS. Identifiers: MedGen C1274743, MONDO:0007754, OMIM 144110, HP:0007410.
Atrophic scars. Identifiers: MedGen C0162154, HP:0001075.
Palmoplantar blistering. Identifiers: MedGen C4024876, HP:0007446.
Ichthyosis vulgaris. Also called: ICHTHYOSIS SIMPLEX; Dominant ichthyosis vulgaris. Identifiers: MedGen C0079584, MONDO:0024304, OMIM 146700.

Submissions (2):

Centre for Mendelian Genomics, University Medical Centre Ljubljana
Classification: Uncertain significance for Atrophic scars; Ichthyosis; Palmoplantar blistering; Palmoplantar hyperhidrosis. Last evaluated: 2017-01-01. Review status: criteria provided, single submitter. Criteria: ACMG Guidelines, 2015. Collection method: clinical testing. Allele origin: unknown. Affected: yes.

Centre for Mendelian Genomics, University Medical Centre Ljubljana
Classification: Uncertain significance for Ichthyosis vulgaris. Last evaluated: 2016-01-01. Review status: criteria provided, single submitter. Criteria: ACMG Guidelines, 2015. Collection method: clinical testing. Allele origin: unknown. Affected: yes.
Comment: This variant was classified as: Uncertain significance.

NM_002016.2(FLG):c.10012A>T (p.Ser3338Cys)

Genes: FLG (filaggrin; minus strand), CCDST (cervical cancer associated DHX9 suppressive transcript; plus strand). Cytogenetic location: 1q21.3.
Variant type: single nucleotide variant.
Coding change: c.10012A>T on transcript NM_002016.2 (MANE Select); coding-DNA position 10012, A replaced by T.
Protein change: p.Ser3338Cys; replaces serine 3338 with cysteine.
Molecular consequence: missense variant.
Genome position (GRCh38, 1-based): chr1:152,304,874, T>A on the plus strand (A>T on the coding strand, the complement: FLG is on the minus strand). VCF-style: chr1-152304874-T-A. GRCh37 (hg19) VCF-style: chr1-152277350-T-A.
Other names: short protein forms S3338C.
Identifiers: ClinVar variation 523447 (VCV000523447.4), dbSNP rs1553211230, ClinGen allele CA342073902.